The following is an entry in ClinVar:

NM_004380.3(CREBBP):c.288G>A (p.Gln96=)

Gene: CREBBP (CREB binding lysine acetyltransferase; minus strand). Cytogenetic location: 16p13.3.
Variant type: single nucleotide variant.
Coding change: c.288G>A on transcript NM_004380.3 (MANE Select); coding-DNA position 288, G replaced by A.
Protein change: p.Gln96=; no amino-acid change (glutamine 96 retained).
Molecular consequence: synonymous variant.
Genome position (GRCh38, 1-based): chr16:3,850,807, C>T on the plus strand (G>A on the coding strand, the complement: CREBBP is on the minus strand). VCF-style: chr16-3850807-C-T. GRCh37 (hg19) VCF-style: chr16-3900808-C-T.
Other names: c.288G>A, p.Gln96= (NM_001079846.1); c.288G>A (NM_004380.2).
Identifiers: ClinVar variation 2195821 (VCV002195821.7), dbSNP rs370300481, ClinGen allele CA7870702.

ClinVar aggregate classification (germline): Conflicting classifications of pathogenicity. Review status: criteria provided, conflicting classifications (1 of 4 stars). 4 submissions from 4 submitters: Uncertain significance (1); Benign (1); Likely benign (1). 1 of the submissions does not count toward it. Last evaluated 2025-07-08.

Conditions:
Rubinstein-Taybi syndrome due to CREBBP mutations (RSTS1). Also called: CREBBP-Related Rubinstein-Taybi Syndrome; RUBINSTEIN-TAYBI SYNDROME 1, INCOMPLETE; RUBINSTEIN SYNDROME; BROAD THUMBS AND GREAT TOES, CHARACTERISTIC FACIES, AND IMPAIRED INTELLECTUAL DEVELOPMENT; BROAD THUMB-HALLUX SYNDROME; Rubinstein-Taybi syndrome 1. Identifiers: Orphanet 353277, Orphanet 783, MedGen C4551859, MONDO:0008393, OMIM 180849.
Menke-Hennekam syndrome 1 (MKHK1). Identifiers: MedGen C5193034, MONDO:0020763, OMIM 618332.
CREBBP-related disorder. Also called: CREBBP-related condition; CREBBP-related disorders.
Rubinstein-Taybi syndrome (RSTS). Identifiers: Orphanet 783, MedGen C0035934, MONDO:0019188.

Allele frequency attached by ClinVar (database versions not stated): gnomAD exomes below 0.00001; ExAC 0.00002; gnomAD 0.00003; TOPMed 0.00004; ESP Exome Variant Server 0.00008.
gnomAD v4.1: 6 of 1,614,026 alleles (0.00037%); highest among the groups gnomAD compares: African/African-American, 0.008%; no homozygotes.

Submissions (4):

Women's Health and Genetics/Laboratory Corporation of America, LabCorp
Classification: Likely benign. Last evaluated: 2025-07-08. Review status: criteria provided, single submitter. Criteria: LabCorp Variant Classification Summary - May 2015. Collection method: clinical testing. Allele origin: germline.

Fulgent Genetics
Classification: Uncertain significance for Rubinstein-Taybi syndrome due to CREBBP mutations; Menke-Hennekam syndrome 1. Last evaluated: 2023-12-29. Review status: criteria provided, single submitter. Criteria: ACMG Guidelines, 2015. Collection method: clinical testing. Allele origin: germline.

Labcorp Genetics (formerly Invitae), Labcorp
Classification: Benign for Rubinstein-Taybi syndrome. Last evaluated: 2022-07-15. Review status: criteria provided, single submitter. Criteria: Invitae Variant Classification Sherloc (09022015). Collection method: clinical testing. Allele origin: germline.

PreventionGenetics, part of Exact Sciences
Classification: Likely benign for CREBBP-related condition. Last evaluated: 2023-10-11. Review status: no assertion criteria provided. Collection method: clinical testing. Allele origin: germline. Not counted in ClinVar's aggregate classification.
Comment: This variant is classified as likely benign based on ACMG/AMP sequence variant interpretation guidelines (Richards et al. 2015 PMID: 25741868, with internal and published modifications).